The following is an entry in ClinVar:

ClinVar aggregate classification (germline): Likely pathogenic (1 of 4 stars; one submission).

Conditions:
Sitosterolemia 1. Identifiers: MedGen C2749759, MONDO:0020747, OMIM 210250.

gnomAD v4.1: 3 of 1,613,670 alleles (0.00019%); highest among the groups gnomAD compares: South Asian, 0.0022%; no homozygotes.

Submission:

Neuberg Centre For Genomic Medicine, NCGM
Classification: Likely pathogenic for Sitosterolemia 1. Review status: criteria provided, single submitter. Criteria: ACMG Guidelines, 2015. Collection method: clinical testing. Allele origin: germline. Inheritance: Autosomal dominant inheritance. Affected: yes.
Comment: This variant is predicted to cause loss of normal protein function through protein truncation. Loss of function variants in this gene have been previously reported to be disease causing (Hooper, A., et al., 2017). For these reason, this variant has been classified as Likely pathogenic.

NM_022437.3(ABCG8):c.1437C>G (p.Tyr479Ter)

Gene: ABCG8 (ATP binding cassette subfamily G member 8; plus strand). Cytogenetic location: 2p21.
Variant type: single nucleotide variant.
Coding change: c.1437C>G on transcript NM_022437.3 (MANE Select); coding-DNA position 1437, C replaced by G.
Protein change: p.Tyr479Ter; replaces tyrosine 479 with a stop codon.
Molecular consequence: nonsense.
Genome position (GRCh38, 1-based): chr2:43,874,432, C>G. VCF-style: chr2-43874432-C-G. GRCh37 (hg19) VCF-style: chr2-44101571-C-G.
Other names: c.1434C>G, p.Tyr478Ter (NM_001357321.2); short protein forms Y478*, Y479*.
Identifiers: ClinVar variation 4086217 (VCV004086217.1).